The following is an entry in ClinVar:

NM_001252024.2(TRPM1):c.808C>A (p.Pro270Thr)

Gene: TRPM1 (transient receptor potential cation channel subfamily M member 1; minus strand). Cytogenetic location: 15q13.3.
Variant type: single nucleotide variant.
Coding change: c.808C>A on transcript NM_001252024.2 (MANE Select); coding-DNA position 808, C replaced by A.
Protein change: p.Pro270Thr; replaces proline 270 with threonine.
Molecular consequence: missense variant.
Genome position (GRCh38, 1-based): chr15:31,063,275, G>T on the plus strand (C>A on the coding strand, the complement: TRPM1 is on the minus strand). VCF-style: chr15-31063275-G-T. GRCh37 (hg19) VCF-style: chr15-31355478-G-T.
Other names: c.859C>A, p.Pro287Thr (NM_001252020.2); c.742C>A, p.Pro248Thr (NM_002420.6); short protein forms P248T, P270T, P287T.
Identifiers: ClinVar variation 1387648 (VCV001387648.6), dbSNP rs574522837, ClinGen allele CA7452795.

ClinVar aggregate classification (germline): Uncertain significance (1 of 4 stars; one submission).

Allele frequency attached by ClinVar (database versions not stated): TOPMed 0.00001.
gnomAD v4.1: 32 of 1,613,996 alleles (0.002%); highest among the groups gnomAD compares: Non-Finnish European, 0.0026%; no homozygotes.

Submission:

Labcorp Genetics (formerly Invitae), Labcorp
Classification: Uncertain significance. Last evaluated: 2023-07-07. Review status: criteria provided, single submitter. Criteria: Invitae Variant Classification Sherloc (09022015). Collection method: clinical testing. Allele origin: germline.
Comment: This sequence change replaces proline, which is neutral and non-polar, with threonine, which is neutral and polar, at codon 248 of the TRPM1 protein (p.Pro248Thr). In summary, the available evidence is currently insufficient to determine the role of this variant in disease. Therefore, it has been classified as a Variant of Uncertain Significance. Advanced modeling of protein sequence and biophysical properties (such as structural, functional, and spatial information, amino acid conservation, physicochemical variation, residue mobility, and thermodynamic stability) performed at Invitae indicates that this missense variant is expected to disrupt TRPM1 protein function. ClinVar contains an entry for this variant (Variation ID: 1387648). This variant has not been reported in the literature in individuals affected with TRPM1-related conditions. This variant is present in population databases (rs574522837, gnomAD 0.006%).